The following is an entry in ClinVar:

ClinVar aggregate classification (germline): Uncertain significance (1 of 4 stars; one submission).

Submission:

Labcorp Genetics (formerly Invitae), Labcorp
Classification: Uncertain significance. Last evaluated: 2023-03-17. Review status: criteria provided, single submitter. Criteria: Invitae Variant Classification Sherloc (09022015). Collection method: clinical testing. Allele origin: germline.
Comment: This variant has not been reported in the literature in individuals affected with RFWD3-related conditions. This sequence change replaces alanine, which is neutral and non-polar, with threonine, which is neutral and polar, at codon 516 of the RFWD3 protein (p.Ala516Thr). This variant is not present in population databases (gnomAD no frequency). An algorithm developed to predict the effect of missense changes on protein structure and function (PolyPhen-2) suggests that this variant is likely to be disruptive. In summary, the available evidence is currently insufficient to determine the role of this variant in disease. Therefore, it has been classified as a Variant of Uncertain Significance.

NM_018124.4(RFWD3):c.1546G>A (p.Ala516Thr)

Gene: RFWD3 (ring finger and WD repeat domain 3; minus strand). Cytogenetic location: 16q23.1.
Variant type: single nucleotide variant.
Coding change: c.1546G>A on transcript NM_018124.4 (MANE Select); coding-DNA position 1546, G replaced by A.
Protein change: p.Ala516Thr; replaces alanine 516 with threonine.
Molecular consequence: missense variant.
Genome position (GRCh38, 1-based): chr16:74,632,554, C>T on the plus strand (G>A on the coding strand, the complement: RFWD3 is on the minus strand). VCF-style: chr16-74632554-C-T. GRCh37 (hg19) VCF-style: chr16-74666452-C-T.
Other names: c.1546G>A, p.Ala516Thr (NM_001370534.1, NM_001370535.1, NM_001370536.1); c.712G>A, p.Ala238Thr (NM_001370537.1, NM_001370539.1, NM_001370540.1 and 3 more transcripts); short protein forms A516T, A238T.
Identifiers: ClinVar variation 2778692 (VCV002778692.3), dbSNP rs2543964358, ClinGen allele CA396760561.
Genomic context (GRCh38, chr16:74,632,554, plus strand): 5'-GTCTCCACCTACTTCCCCAAATCACTCACCTGGTCAGTTTAATAGTGTTGTCTAGGGAAG[C>T]AGAGAGTAGCAAGCCTCTGAGGTAACTGCTAAACGCCAGTCCACGGATCTGTTTGCCATG-3'
Protein context (NP_060594.3, residues 506-526): SSYLRGLLLS[Ala516Thr]SLDNTIKLTS